The following is an entry in ClinVar:

NM_138387.4(G6PC3):c.470T>C (p.Val157Ala)

Gene: G6PC3 (glucose-6-phosphatase catalytic subunit 3; plus strand). Cytogenetic location: 17q21.31.
Variant type: single nucleotide variant.
Coding change: c.470T>C on transcript NM_138387.4 (MANE Select); coding-DNA position 470, T replaced by C.
Protein change: p.Val157Ala; replaces valine 157 with alanine.
Molecular consequence: missense variant. On other transcripts: intron variant (1).
Genome position (GRCh38, 1-based): chr17:44,075,022, T>C. VCF-style: chr17-44075022-T-C. GRCh37 (hg19) VCF-style: chr17-42152390-T-C.
Other names: c.416+252T>C (NM_001319945.2); c.125T>C, p.Val42Ala (NM_001384165.1, NM_001384166.1, NM_001384167.1 and 1 more transcripts); short protein forms V157A, V42A.
Identifiers: ClinVar variation 2792355 (VCV002792355.5), dbSNP rs772947905, ClinGen allele CA8596045.

ClinVar aggregate classification (germline): Uncertain significance. Review status: criteria provided, multiple submitters, no conflicts (2 of 4 stars). 2 submissions from 2 submitters: Uncertain significance (2). Last evaluated 2026-03-15.

Conditions:
Autosomal recessive severe congenital neutropenia due to G6PC3 deficiency. Also called: NEUTROPENIA, SEVERE CONGENITAL, 4, AUTOSOMAL RECESSIVE; G6PC3 Deficiency. Identifiers: Orphanet 331176, MedGen C2751630, MONDO:0012930, OMIM 612541.
Inborn genetic diseases. Identifiers: MedGen C0950123, MeSH D030342.

Allele frequency attached by ClinVar (database versions not stated): gnomAD exomes 0.00001; ExAC 0.00002.

Submissions (2):

Ambry Genetics
Classification: Uncertain significance for Inborn genetic diseases. Last evaluated: 2026-03-15. Review status: criteria provided, single submitter. Criteria: Ambry Variant Classification Scheme 2023. Collection method: clinical testing. Allele origin: germline.
Comment: The p.V157A variant (also known as c.470T>C), located in coding exon 4 of the G6PC3 gene, results from a T to C substitution at nucleotide position 470. The valine at codon 157 is replaced by alanine, an amino acid with similar properties. This amino acid position is conserved. In addition, the in silico prediction for this alteration is inconclusive. Based on the available evidence, the clinical significance of this variant remains unclear.

Labcorp Genetics (formerly Invitae), Labcorp
Classification: Uncertain significance for Autosomal recessive severe congenital neutropenia due to G6PC3 deficiency. Last evaluated: 2024-04-15. Review status: criteria provided, single submitter. Criteria: Invitae Variant Classification Sherloc (09022015). Collection method: clinical testing. Allele origin: germline.
Comment: This sequence change replaces valine, which is neutral and non-polar, with alanine, which is neutral and non-polar, at codon 157 of the G6PC3 protein (p.Val157Ala). This variant is present in population databases (rs772947905, gnomAD 0.006%). This variant has not been reported in the literature in individuals affected with G6PC3-related conditions. Advanced modeling of protein sequence and biophysical properties (such as structural, functional, and spatial information, amino acid conservation, physicochemical variation, residue mobility, and thermodynamic stability) performed at Invitae indicates that this missense variant is not expected to disrupt G6PC3 protein function with a negative predictive value of 80%. In summary, the available evidence is currently insufficient to determine the role of this variant in disease. Therefore, it has been classified as a Variant of Uncertain Significance.